The following is an entry in ClinVar:

ClinVar aggregate classification (germline): Uncertain significance (1 of 4 stars; one submission).

Conditions:
Inborn genetic diseases. Identifiers: MedGen C0950123, MeSH D030342.

Submission:

Ambry Genetics
Classification: Uncertain significance for Inborn genetic diseases. Last evaluated: 2026-07-29. Review status: criteria provided, single submitter. Criteria: Ambry Variant Classification Scheme 2023. Collection method: clinical testing. Allele origin: germline.
Comment: The c.754G>A (p.G252S) alteration is located in exon 1 (coding exon 1) of the CLDN5 gene. This alteration results from a G to A substitution at nucleotide position 754, causing the glycine (G) at amino acid position 252 to be replaced by a serine (S). Based on data from gnomAD, the A allele has an overall frequency of <0.001% (1/222062) total alleles studied. The highest observed frequency was <0.001% (/) of alleles. Based on insufficient or conflicting evidence, the clinical significance of this alteration remains unclear.

NM_001363066.2(CLDN5):c.499G>A (p.Gly167Ser)

Gene: CLDN5 (claudin 5; minus strand). Cytogenetic location: 22q11.21.
Variant type: single nucleotide variant.
Coding change: c.499G>A on transcript NM_001363066.2 (MANE Select); coding-DNA position 499, G replaced by A.
Protein change: p.Gly167Ser; replaces glycine 167 with serine.
Molecular consequence: missense variant.
Genome position (GRCh38, 1-based): chr22:19,523,757, C>T on the plus strand (G>A on the coding strand, the complement: CLDN5 is on the minus strand). VCF-style: chr22-19523757-C-T. GRCh37 (hg19) VCF-style: chr22-19511280-C-T.
Other names: c.754G>A, p.Gly252Ser (NM_001130861.1, NM_001363067.2, NM_003277.4); short protein forms G167S, G252S.
Identifiers: ClinVar variation 5034631 (VCV005034631.1).